The following is an entry in ClinVar:

ClinVar aggregate classification (germline): Conflicting classifications of pathogenicity. Review status: criteria provided, conflicting classifications (1 of 4 stars). 4 submissions from 4 submitters: Uncertain significance (1); Likely benign (3). Last evaluated 2025-04-20.

Conditions:
Inborn genetic diseases. Identifiers: MedGen C0950123, MeSH D030342.

Allele frequency attached by ClinVar (database versions not stated): gnomAD exomes 0.00004; ExAC 0.00008.
gnomAD v4.1: 53 of 1,613,236 alleles (0.0033%); highest among the groups gnomAD compares: South Asian, 0.038%; 1 homozygote.

Submissions (4):

Ambry Genetics
Classification: Likely benign for Inborn genetic diseases. Last evaluated: 2025-04-20. Review status: criteria provided, single submitter. Criteria: Ambry Variant Classification Scheme 2023. Collection method: clinical testing. Allele origin: germline.

CeGaT Center for Human Genetics Tuebingen
Classification: Likely benign. Last evaluated: 2024-09-01. Review status: criteria provided, single submitter. Criteria: CeGaT Center For Human Genetics Tuebingen Variant Classification Criteria Version 2. Collection method: clinical testing. Allele origin: germline. Affected: yes. Observed: 2 variant alleles.
Comment: ASXL2: BS2

Blueprint Genetics
Classification: Likely benign. Last evaluated: 2023-08-01. Review status: criteria provided, single submitter. Criteria: ACMG Guidelines, 2015. Collection method: clinical testing. Allele origin: germline.

Labcorp Genetics (formerly Invitae), Labcorp
Classification: Uncertain significance. Last evaluated: 2022-08-13. Review status: criteria provided, single submitter. Criteria: Invitae Variant Classification Sherloc (09022015). Collection method: clinical testing. Allele origin: germline.
Comment: In summary, the available evidence is currently insufficient to determine the role of this variant in disease. Therefore, it has been classified as a Variant of Uncertain Significance. Algorithms developed to predict the effect of missense changes on protein structure and function are either unavailable or do not agree on the potential impact of this missense change (SIFT: "Tolerated"; PolyPhen-2: "Not Available"; Align-GVGD: "Class C0"). This variant has not been reported in the literature in individuals affected with ASXL2-related conditions. This variant is present in population databases (rs775329935, gnomAD 0.04%), and has an allele count higher than expected for a pathogenic variant. This sequence change replaces asparagine, which is neutral and polar, with serine, which is neutral and polar, at codon 1332 of the ASXL2 protein (p.Asn1332Ser).

NM_018263.6(ASXL2):c.3995A>G (p.Asn1332Ser)

Gene: ASXL2 (ASXL transcriptional regulator 2; minus strand). Cytogenetic location: 2p23.3.
Variant type: single nucleotide variant.
Coding change: c.3995A>G on transcript NM_018263.6 (MANE Select); coding-DNA position 3995, A replaced by G.
Protein change: p.Asn1332Ser; replaces asparagine 1332 with serine.
Molecular consequence: missense variant.
Genome position (GRCh38, 1-based): chr2:25,742,342, T>C on the plus strand (A>G on the coding strand, the complement: ASXL2 is on the minus strand). VCF-style: chr2-25742342-T-C. GRCh37 (hg19) VCF-style: chr2-25965211-T-C.
Other names: c.3821A>G, p.Asn1274Ser (NM_001369346.1); c.3215A>G, p.Asn1072Ser (NM_001369347.1); c.3995A>G (NM_018263.4); short protein forms N1332S, N1274S, N1072S.
Identifiers: ClinVar variation 1927236 (VCV001927236.30), dbSNP rs775329935, ClinGen allele CA1557382.